The following is an entry in ClinVar:

ClinVar aggregate classification (germline): Uncertain significance. Review status: criteria provided, multiple submitters, no conflicts (2 of 4 stars). 2 submissions from 2 submitters: Uncertain significance (2). Last evaluated 2025-08-06.

Conditions:
Hereditary cancer-predisposing syndrome. Also called: Hereditary neoplastic syndrome; Neoplastic Syndromes, Hereditary; Hereditary Cancer Syndrome; Tumor predisposition. Identifiers: Orphanet 140162, MedGen C0027672, MeSH D009386, MONDO:0015356.
Rhabdoid tumor predisposition syndrome 2 (RTPS2). Identifiers: Orphanet 231108, Orphanet 69077, MedGen C2750074, MONDO:0013224, OMIM 613325.

Submissions (2):

Labcorp Genetics (formerly Invitae), Labcorp
Classification: Uncertain significance for Rhabdoid tumor predisposition syndrome 2. Last evaluated: 2025-08-06. Review status: criteria provided, single submitter. Criteria: Invitae Variant Classification Sherloc (09022015). Collection method: clinical testing. Allele origin: germline.
Comment: This sequence change replaces arginine, which is basic and polar, with glycine, which is neutral and non-polar, at codon 905 of the SMARCA4 protein (p.Arg905Gly). This variant is not present in population databases (gnomAD no frequency). This variant has not been reported in the literature in individuals affected with SMARCA4-related conditions. ClinVar contains an entry for this variant (Variation ID: 2703660). Invitae Evidence Modeling of protein sequence and biophysical properties (such as structural, functional, and spatial information, amino acid conservation, physicochemical variation, residue mobility, and thermodynamic stability) indicates that this missense variant is not expected to disrupt SMARCA4 protein function with a negative predictive value of 95%. In summary, the available evidence is currently insufficient to determine the role of this variant in disease. Therefore, it has been classified as a Variant of Uncertain Significance.

Ambry Genetics
Classification: Uncertain significance for Hereditary cancer-predisposing syndrome. Last evaluated: 2025-07-16. Review status: criteria provided, single submitter. Criteria: Ambry Variant Classification Scheme 2023. Collection method: clinical testing. Allele origin: germline.
Comment: The p.R905G variant (also known as c.2713C>G), located in coding exon 18 of the SMARCA4 gene, results from a C to G substitution at nucleotide position 2713. The arginine at codon 905 is replaced by glycine, an amino acid with dissimilar properties. This amino acid position is conserved. In addition, this alteration is predicted to be deleterious by in silico analysis. Based on the available evidence, the clinical significance of this variant remains unclear.

NM_003072.5(SMARCA4):c.2713C>G (p.Arg905Gly)

Gene: SMARCA4 (SWI/SNF related BAF chromatin remodeling complex subunit ATPase 4; plus strand). Cytogenetic location: 19p13.2.
Variant type: single nucleotide variant.
Coding change: c.2713C>G on transcript NM_003072.5 (MANE Select); coding-DNA position 2713, C replaced by G.
Protein change: p.Arg905Gly; replaces arginine 905 with glycine.
Molecular consequence: missense variant. On other transcripts: non-coding transcript variant (1).
Genome position (GRCh38, 1-based): chr19:11,021,821, C>G. VCF-style: chr19-11021821-C-G. GRCh37 (hg19) VCF-style: chr19-11132497-C-G.
Other names: c.2713C>G, p.Arg905Gly (NM_001128844.3, NM_001128845.2, NM_001128846.2 and 6 more transcripts); c.2713C>G (NM_001128849.1); short protein forms R905G.
Identifiers: ClinVar variation 2703660 (VCV002703660.4), dbSNP rs1555778721, ClinGen allele CA404056147.